The following is an entry in ClinVar:

NM_133379.5(TTN):c.10559C>A (p.Pro3520Gln)

Gene: TTN (titin; minus strand). Cytogenetic location: 2q31.2.
Variant type: single nucleotide variant.
Coding change: c.10559C>A on transcript NM_133379.5; coding-DNA position 10559, C replaced by A.
Protein change: p.Pro3520Gln; replaces proline 3520 with glutamine.
Molecular consequence: missense variant. On other transcripts: intron variant (6).
Genome position (GRCh38, 1-based): chr2:178,751,841, G>T on the plus strand (C>A on the coding strand, the complement: TTN is on the minus strand). VCF-style: chr2-178751841-G-T. GRCh37 (hg19) VCF-style: chr2-179616568-G-T.
Other names: p.P3520Q:CCG>CAG; c.10222+1283C>A (NM_003319.4); c.10798+1283C>A (NM_133437.4); c.10597+1283C>A (NM_133432.3); c.10360+1283C>A (NM_133378.4, NM_001256850.1); c.11311+1283C>A (NM_001267550.2); short protein forms P3520Q.
Identifiers: ClinVar variation 203182 (VCV000203182.3), dbSNP rs189445085, ClinGen allele CA311605.

ClinVar aggregate classification (germline): Uncertain significance. Review status: criteria provided, multiple submitters, no conflicts (2 of 4 stars). 2 submissions from 2 submitters: Uncertain significance (2). Last evaluated 2021-09-08.

Conditions:
Myopathy, myofibrillar, 9, with early respiratory failure (MFM9). Also called: EDSTROM MYOPATHY; MYOPATHY, PROXIMAL, WITH EARLY RESPIRATORY MUSCLE INVOLVEMENT; Myopathy, distal, with early respiratory failure, autosomal dominant; Hereditary myopathy with early respiratory failure. Identifiers: Orphanet 178464, Orphanet 34521, MedGen C1863599, MONDO:0011362, OMIM 603689.
Early-onset myopathy with fatal cardiomyopathy (CMYO5). Also called: CONGENITAL MYOPATHY 5 WITH CARDIOMYOPATHY; Salih Myopathy. Identifiers: Orphanet 289377, MedGen C2673677, MONDO:0012714, OMIM 611705. Disease mechanism: loss of function.
Hypertrophic cardiomyopathy 9. Also called: Familial hypertrophic cardiomyopathy 9. Identifiers: MedGen C1861065, MONDO:0013412, OMIM 613765.
Dilated cardiomyopathy 1G (CMD1G). Identifiers: Orphanet 154, MedGen C1858763, MONDO:0011400, OMIM 604145.
Tibial muscular dystrophy (TMD). Also called: UDD MYOPATHY; Tibial muscular dystrophy, tardive; Udd Distal Myopathy – Tibial Muscular Dystrophy. Identifiers: Orphanet 609, MedGen C1838244, MONDO:0010870, OMIM 600334.
Autosomal recessive limb-girdle muscular dystrophy type 2J (LGMDR10). Also called: MUSCULAR DYSTROPHY, LIMB-GIRDLE, AUTOSOMAL RECESSIVE 10; Limb-girdle muscular dystrophy, type 2J. Identifiers: Orphanet 140922, MedGen C1837342, MONDO:0012127, OMIM 608807.

Allele frequency attached by ClinVar (database versions not stated): TOPMed 0.00006.
gnomAD v4.1: 15 of 1,612,612 alleles (0.00093%); highest among the groups gnomAD compares: African/African-American, 0.016%; no homozygotes.

Submissions (2):

Fulgent Genetics
Classification: Uncertain significance for Tibial muscular dystrophy; Myopathy, myofibrillar, 9, with early respiratory failure; Dilated cardiomyopathy 1G; Autosomal recessive limb-girdle muscular dystrophy type 2J; Early-onset myopathy with fatal cardiomyopathy; Hypertrophic cardiomyopathy 9. Last evaluated: 2021-09-08. Review status: criteria provided, single submitter. Criteria: ACMG Guidelines, 2015. Collection method: clinical testing. Allele origin: unknown.

GeneDx
Classification: Uncertain significance. Last evaluated: 2014-08-27. Review status: criteria provided, single submitter. Criteria: GeneDx Variant Classification (06012015). Collection method: clinical testing. Allele origin: germline. Affected: yes.
Comment: Missense variants in the TTN gene are considered 'unclassified' if they are not previously reported in the literature and do not have >1% frequency in the population to be considered a polymorphism. Research indicates that truncating mutations in the TTN gene are expected to account for approximately 25% of familial and 18% of sporadic idiopathic DCM; however, truncating variants in the TTN gene have been reported in approximately 3% of reported control alleles. There has been little investigation into non-truncating variants. (Herman D et al. Truncations of titin causing dilated cardiomyopathy. N Eng J Med 366:619-628, 2012) The variant is found in CARDIOMYOPATHY panel(s).